The following is an entry in ClinVar:

ClinVar aggregate classification (germline): Uncertain significance (1 of 4 stars; one submission).

Submission:

Labcorp Genetics (formerly Invitae), Labcorp
Classification: Uncertain significance. Last evaluated: 2024-12-11. Review status: criteria provided, single submitter. Criteria: Invitae Variant Classification Sherloc (09022015). Collection method: clinical testing. Allele origin: germline.
Comment: This sequence change creates a premature translational stop signal (p.Tyr1818*) in the ALPK3 gene. While this is not anticipated to result in nonsense mediated decay, it is expected to disrupt the last 90 amino acid(s) of the ALPK3 protein. This variant is not present in population databases (gnomAD no frequency). This variant has not been reported in the literature in individuals affected with ALPK3-related conditions. ClinVar contains an entry for this variant (Variation ID: 1438437). Experimental studies and prediction algorithms are not available or were not evaluated, and the functional significance of this variant is currently unknown. Algorithms developed to predict the effect of sequence changes on RNA splicing suggest that this variant may disrupt the consensus splice site. In summary, the available evidence is currently insufficient to determine the role of this variant in disease. Therefore, it has been classified as a Variant of Uncertain Significance.

NM_020778.5(ALPK3):c.4841_4847dup (p.Tyr1616Ter)

Gene: ALPK3 (alpha kinase 3; plus strand). Cytogenetic location: 15q25.3.
Variant type: Duplication.
Coding change: c.4841_4847dup on transcript NM_020778.5 (MANE Select); coding-DNA positions 4841 to 4847, 7 bases duplicated (ATGCCTA; older notation c.4841_4847dupATGCCTA).
Protein change: p.Tyr1616Ter; replaces tyrosine 1616 with a stop codon.
Molecular consequence: nonsense.
Genome position (GRCh38, 1-based): chr15:84,868,179-84,868,185, ATGCCTA duplicated; duplicating any 7 consecutive bases within chr15:84,868,178-84,868,185 gives the same sequence; the c. name uses the placement nearest the transcript's 3' end. VCF-style (leftmost placement, unchanged base first): chr15-84868177-C-CAATGCCT. GRCh37 (hg19) VCF-style: chr15-85411408-C-CAATGCCT.
Other names: short protein forms Y1616*.
Identifiers: ClinVar variation 1438437 (VCV001438437.6), dbSNP rs2141576147, ClinGen allele CA2573151218.
Genomic context (GRCh38, chr15:84,868,177, plus strand): 5'-GGGCCTCAAGGAAAGCTGCTTCCCTGCCCTGCTGGACCGGTTCGCCTCCTCCCACCAGTG[C>CAATGCCT]AATGCCTACTGTGAGCTGCTGGGGCTGACACCTCTCAAGGGCCCGGAGGCGGCCCACCCC-3'